The following is an entry in ClinVar:

NM_000135.4(FANCA):c.3551G>A (p.Arg1184Gln)

Gene: FANCA (FA complementation group A; minus strand). Cytogenetic location: 16q24.3.
Variant type: single nucleotide variant.
Coding change: c.3551G>A on transcript NM_000135.4 (MANE Select); coding-DNA position 3551, G replaced by A.
Protein change: p.Arg1184Gln; replaces arginine 1184 with glutamine.
Molecular consequence: missense variant.
Genome position (GRCh38, 1-based): chr16:89,745,034, C>T on the plus strand (G>A on the coding strand, the complement: FANCA is on the minus strand). VCF-style: chr16-89745034-C-T. GRCh37 (hg19) VCF-style: chr16-89811442-C-T.
Other names: c.3551G>A, p.Arg1184Gln (NM_001286167.3); short protein forms R1184Q.
Identifiers: ClinVar variation 1512624 (VCV001512624.7), dbSNP rs147672303, ClinGen allele CA8251099.
Genomic context (GRCh38, chr16:89,745,034, plus strand): 5'-CGGCCTTCTTGTAGCTTCTGCAGTTCCCGGGGCAGCGGGCTCTGGCAGTGTCTCCTCCAC[C>T]GGCAGAGCAGCACAGGCTCCAGGCTCGGCCACCACACCTATGGAGAGAGCACCAGCACAC-3'
Protein context (NP_000126.2, residues 1174-1194): WPSLEPVLLC[Arg1184Gln]WRRHCQSPLP

ClinVar aggregate classification (germline): Conflicting classifications of pathogenicity. Review status: criteria provided, conflicting classifications (1 of 4 stars). 3 submissions from 3 submitters: Uncertain significance (2); Likely benign (1). Last evaluated 2023-07-12.

Conditions:
Fanconi anemia complementation group A (FANCA). Also called: FANCA-Related Fanconi Anemia; Fanconi anemia, group A. Identifiers: Orphanet 84, MedGen C3469521, MONDO:0009215, OMIM 227650.
Fanconi anemia (FA). Also called: Fanconi's anemia. Identifiers: Orphanet 84, MedGen C0015625, MeSH D005199, MONDO:0019391.

gnomAD v4.1: 14 of 1,609,862 alleles (0.00087%); highest among the groups gnomAD compares: African/African-American, 0.0013%; no homozygotes.

Submissions (3):

Blueprint Genetics
Classification: Likely benign. Last evaluated: 2023-07-12. Review status: criteria provided, single submitter. Criteria: ACMG Guidelines, 2015. Collection method: clinical testing. Allele origin: germline.

Labcorp Genetics (formerly Invitae), Labcorp
Classification: Uncertain significance for Fanconi anemia. Last evaluated: 2022-06-24. Review status: criteria provided, single submitter. Criteria: Invitae Variant Classification Sherloc (09022015). Collection method: clinical testing. Allele origin: germline.
Comment: This sequence change replaces arginine, which is basic and polar, with glutamine, which is neutral and polar, at codon 1184 of the FANCA protein (p.Arg1184Gln). The frequency data for this variant in the population databases is considered unreliable, as metrics indicate poor data quality at this position in the gnomAD database. This variant has not been reported in the literature in individuals affected with FANCA-related conditions. Advanced modeling of protein sequence and biophysical properties (such as structural, functional, and spatial information, amino acid conservation, physicochemical variation, residue mobility, and thermodynamic stability) performed at Invitae indicates that this missense variant is not expected to disrupt FANCA protein function. Algorithms developed to predict the effect of sequence changes on RNA splicing suggest that this variant may create or strengthen a splice site. In summary, the available evidence is currently insufficient to determine the role of this variant in disease. Therefore, it has been classified as a Variant of Uncertain Significance.

Fulgent Genetics
Classification: Uncertain significance for Fanconi anemia complementation group A. Last evaluated: 2021-12-09. Review status: criteria provided, single submitter. Criteria: ACMG Guidelines, 2015. Collection method: clinical testing. Allele origin: unknown.